The following is an entry in ClinVar:

ClinVar aggregate classification (germline): Uncertain significance. Review status: criteria provided, multiple submitters, no conflicts (2 of 4 stars). 2 submissions from 2 submitters: Uncertain significance (2). Last evaluated 2024-01-29.

Conditions:
Fanconi anemia complementation group E (FANCE). Also called: FANCE-Related Fanconi Anemia. Identifiers: Orphanet 84, MedGen C3160739, MONDO:0010953, OMIM 600901.

Allele frequency attached by ClinVar (database versions not stated): gnomAD exomes below 0.00001; ExAC 0.00001; gnomAD 0.00001; TOPMed 0.00001; ESP Exome Variant Server 0.00008.

Submissions (2):

Blueprint Genetics
Classification: Uncertain significance. Last evaluated: 2024-01-29. Review status: criteria provided, single submitter. Criteria: ACMG Guidelines, 2015. Collection method: clinical testing. Allele origin: germline.

Labcorp Genetics (formerly Invitae), Labcorp
Classification: Uncertain significance for Fanconi anemia complementation group E. Last evaluated: 2021-04-16. Review status: criteria provided, single submitter. Criteria: Invitae Variant Classification Sherloc (09022015). Collection method: clinical testing. Allele origin: germline.
Comment: This variant is present in population databases (rs374232967, ExAC 0.001%). This sequence change replaces arginine with histidine at codon 381 of the FANCE protein (p.Arg381His). The arginine residue is highly conserved and there is a small physicochemical difference between arginine and histidine. This variant has not been reported in the literature in individuals with FANCE-related conditions. In summary, the available evidence is currently insufficient to determine the role of this variant in disease. Therefore, it has been classified as a Variant of Uncertain Significance. Algorithms developed to predict the effect of missense changes on protein structure and function are either unavailable or do not agree on the potential impact of this missense change (SIFT: "Deleterious"; PolyPhen-2: "Probably Damaging"; Align-GVGD: "Class C0").

NM_021922.3(FANCE):c.1142G>A (p.Arg381His)

Gene: FANCE (FA complementation group E; plus strand). Cytogenetic location: 6p21.31.
Variant type: single nucleotide variant.
Coding change: c.1142G>A on transcript NM_021922.3 (MANE Select); coding-DNA position 1142, G replaced by A.
Protein change: p.Arg381His; replaces arginine 381 with histidine.
Molecular consequence: missense variant.
Genome position (GRCh38, 1-based): chr6:35,459,359, G>A. VCF-style: chr6-35459359-G-A. GRCh37 (hg19) VCF-style: chr6-35427136-G-A.
Other names: short protein forms R381H.
Identifiers: ClinVar variation 1356791 (VCV001356791.7), dbSNP rs374232967, ClinGen allele CA3771614.